The following is an entry in ClinVar:

ClinVar aggregate classification (germline): Uncertain significance. Review status: criteria provided, multiple submitters, no conflicts (2 of 4 stars). 2 submissions from 2 submitters: Uncertain significance (2). Last evaluated 2024-02-08.

Conditions:
Dyskeratosis congenita. Identifiers: Orphanet 1775, MedGen C0265965, MONDO:0015780.
Dyskeratosis congenita, autosomal dominant 3. Identifiers: MedGen C3151445, MONDO:0013522, OMIM 613990.
Revesz syndrome. Also called: DYSKERATOSIS CONGENITA, AUTOSOMAL DOMINANT 5; EXUDATIVE RETINOPATHY WITH BONE MARROW FAILURE. Identifiers: Orphanet 3088, MedGen C1327916, MONDO:0009990, OMIM 268130.

Submissions (2):

Fulgent Genetics
Classification: Uncertain significance for Revesz syndrome; Dyskeratosis congenita, autosomal dominant 3. Last evaluated: 2024-02-08. Review status: criteria provided, single submitter. Criteria: ACMG Guidelines, 2015. Collection method: clinical testing. Allele origin: germline.

Labcorp Genetics (formerly Invitae), Labcorp
Classification: Uncertain significance for Dyskeratosis congenita. Last evaluated: 2023-11-19. Review status: criteria provided, single submitter. Criteria: Invitae Variant Classification Sherloc (09022015). Collection method: clinical testing. Allele origin: germline.
Comment: This sequence change replaces glycine, which is neutral and non-polar, with arginine, which is basic and polar, at codon 25 of the TINF2 protein (p.Gly25Arg). This variant is not present in population databases (gnomAD no frequency). This variant has not been reported in the literature in individuals affected with TINF2-related conditions. Algorithms developed to predict the effect of missense changes on protein structure and function output the following: SIFT: "Not Available"; PolyPhen-2: "Probably Damaging"; Align-GVGD: "Not Available". The arginine amino acid residue is found in multiple mammalian species, which suggests that this missense change does not adversely affect protein function. In summary, the available evidence is currently insufficient to determine the role of this variant in disease. Therefore, it has been classified as a Variant of Uncertain Significance.

NM_001099274.3(TINF2):c.73G>A (p.Gly25Arg)

Genes: TINF2 (TERF1 interacting nuclear factor 2; minus strand), LOC130055403 (ATAC-STARR-seq lymphoblastoid active region 8199; plus strand). Cytogenetic location: 14q12.
Variant type: single nucleotide variant.
Coding change: c.73G>A on transcript NM_001099274.3 (MANE Select); coding-DNA position 73, G replaced by A.
Protein change: p.Gly25Arg; replaces glycine 25 with arginine.
Molecular consequence: missense variant.
Genome position (GRCh38, 1-based): chr14:24,242,260, C>T on the plus strand (G>A on the coding strand, the complement: TINF2 is on the minus strand). VCF-style: chr14-24242260-C-T. GRCh37 (hg19) VCF-style: chr14-24711466-C-T.
Other names: c.73G>A, p.Gly25Arg (NM_001363668.2, NM_012461.3); short protein forms G25R.
Identifiers: ClinVar variation 3001449 (VCV003001449.4), dbSNP rs766671951, ClinGen allele CA389236348.